The following is an entry in ClinVar:

ClinVar aggregate classification (germline): Uncertain significance (1 of 4 stars; one submission).

Submission:

Labcorp Genetics (formerly Invitae), Labcorp
Classification: Uncertain significance. Last evaluated: 2020-09-05. Review status: criteria provided, single submitter. Criteria: Invitae Variant Classification Sherloc (09022015). Collection method: clinical testing. Allele origin: germline.
Comment: In summary, the available evidence is currently insufficient to determine the role of this variant in disease. Therefore, it has been classified as a Variant of Uncertain Significance. Algorithms developed to predict the effect of missense changes on protein structure and function are either unavailable or do not agree on the potential impact of this missense change (SIFT: "Tolerated"; PolyPhen-2: "Possibly Damaging"; Align-GVGD: "Class C0"). This variant has not been reported in the literature in individuals with WHRN-related conditions. This variant is not present in population databases (ExAC no frequency). This sequence change replaces serine with threonine at codon 611 of the WHRN protein (p.Ser611Thr). The serine residue is moderately conserved and there is a small physicochemical difference between serine and threonine.

NM_015404.4(WHRN):c.1831T>A (p.Ser611Thr)

Gene: WHRN (whirlin; minus strand). Cytogenetic location: 9q32.
Variant type: single nucleotide variant.
Coding change: c.1831T>A on transcript NM_015404.4 (MANE Select); coding-DNA position 1831, T replaced by A.
Protein change: p.Ser611Thr; replaces serine 611 with threonine.
Molecular consequence: missense variant.
Genome position (GRCh38, 1-based): chr9:114,406,760, A>T on the plus strand (T>A on the coding strand, the complement: WHRN is on the minus strand). VCF-style: chr9-114406760-A-T. GRCh37 (hg19) VCF-style: chr9-117169040-A-T.
Other names: c.682T>A, p.Ser228Thr (NM_001083885.3); c.1831T>A, p.Ser611Thr (NM_001173425.2); c.778T>A, p.Ser260Thr (NM_001346890.1); short protein forms S228T, S260T, S611T.
Identifiers: ClinVar variation 1058008 (VCV001058008.9), dbSNP rs2132213090, ClinGen allele CA374620824.
Genomic context (GRCh38, chr9:114,406,760, plus strand): 5'-CTGGCGGGCTGCGGTTCTGTGGAGCCGAGAAGACAGTGCCCGAGCAGGAAGGCATGGAGG[A>T]AGGTGGCTGGAGGTCCTCTCTCCCCAGCTTCCTTGGCTGGCCTAGTGGGAGGTCGTTGCC-3'
Protein context (NP_056219.3, residues 601-621): KLGREDLQPP[Ser611Thr]SMPSCSGTVF